The following is an entry in ClinVar:

ClinVar aggregate classification (germline): Uncertain significance (1 of 4 stars; one submission).

Submission:

GeneDx
Classification: Uncertain significance. Last evaluated: 2020-06-11. Review status: criteria provided, single submitter. Criteria: GeneDx Variant Classification Process June 2021. Collection method: clinical testing. Allele origin: germline. Affected: yes.
Comment: Not observed in large population cohorts (Lek et al., 2016); In silico analysis, which includes protein predictors and evolutionary conservation, supports a deleterious effect; Has not been previously published as pathogenic or benign to our knowledge

NM_198904.4(GABRG2):c.875T>G (p.Val292Gly)

Gene: GABRG2 (gamma-aminobutyric acid type A receptor subunit gamma2; plus strand). Cytogenetic location: 5q34.
Variant type: single nucleotide variant.
Coding change: c.875T>G on transcript NM_198904.4 (MANE Select); coding-DNA position 875, T replaced by G.
Protein change: p.Val292Gly; replaces valine 292 with glycine.
Molecular consequence: missense variant.
Genome position (GRCh38, 1-based): chr5:162,142,269, T>G. VCF-style: chr5-162142269-T-G. GRCh37 (hg19) VCF-style: chr5-161569275-T-G.
Other names: c.788T>G, p.Val263Gly (NM_001375347.1); c.455T>G, p.Val152Gly (NM_001375348.1, NM_001375350.1); c.590T>G, p.Val197Gly (NM_001375349.1); c.995T>G, p.Val332Gly (NM_198903.2, NM_001375343.1); c.875T>G, p.Val292Gly (NM_000816.3, NM_001375340.1); c.866T>G, p.Val289Gly (NM_001375339.1); c.872T>G, p.Val291Gly (NM_001375341.1, NM_001375342.1); c.914T>G, p.Val305Gly (NM_001375344.1); and 1 more; short protein forms V152G, V197G, V263G, V270G, V289G, V291G, V292G, V305G.
Identifiers: ClinVar variation 1309818 (VCV001309818.2), dbSNP rs2113598938, ClinGen allele CA362182177.